The following is an entry in ClinVar:

ClinVar aggregate classification (germline): Likely benign. Review status: criteria provided, single submitter (1 of 4 stars). 2 submissions from 2 submitters: Likely benign (1). 1 of the submissions does not count toward it. Last evaluated 2025-11-18.

Conditions:
EXOC6B-related disorder. Also called: EXOC6B-related condition.

Allele frequency attached by ClinVar (database versions not stated): TOPMed 0.00023; gnomAD exomes 0.00025; ExAC 0.00026; gnomAD 0.00029 and 0.00030; ESP Exome Variant Server 0.00043.
gnomAD v4.1: 505 of 1,529,870 alleles (0.033%); highest among the groups gnomAD compares: Non-Finnish European, 0.039%; 1 homozygote.

Submissions (2):

Labcorp Genetics (formerly Invitae), Labcorp
Classification: Likely benign. Last evaluated: 2025-11-18. Review status: criteria provided, single submitter. Criteria: Invitae Variant Classification Sherloc (09022015). Collection method: clinical testing. Allele origin: germline.

PreventionGenetics, part of Exact Sciences
Classification: Likely benign for EXOC6B-related condition. Last evaluated: 2019-02-18. Review status: no assertion criteria provided. Collection method: clinical testing. Allele origin: germline. Not counted in ClinVar's aggregate classification.
Comment: This variant is classified as likely benign based on ACMG/AMP sequence variant interpretation guidelines (Richards et al. 2015 PMID: 25741868, with internal and published modifications).

NM_015189.3(EXOC6B):c.459T>G (p.Thr153=)

Gene: EXOC6B (exocyst complex component 6B; minus strand). Cytogenetic location: 2p13.2.
Variant type: single nucleotide variant.
Coding change: c.459T>G on transcript NM_015189.3 (MANE Select); coding-DNA position 459, T replaced by G.
Protein change: p.Thr153=; no amino-acid change (threonine 153 retained).
Molecular consequence: synonymous variant. On other transcripts: non-coding transcript variant (2).
Genome position (GRCh38, 1-based): chr2:72,731,012, A>C on the plus strand (T>G on the coding strand, the complement: EXOC6B is on the minus strand). VCF-style: chr2-72731012-A-C. GRCh37 (hg19) VCF-style: chr2-72958141-A-C.
Other names: c.459T>G (NM_015189.2); c.459T>G, p.Thr153= (NM_001321729.2, NM_001321730.2, NM_001321731.2 and 1 more transcripts); c.120T>G, p.Thr40= (NM_001321734.2).
Identifiers: ClinVar variation 1124548 (VCV001124548.11), dbSNP rs201669709, ClinGen allele CA1708743.